The following is an entry in ClinVar:

NM_005506.4(SCARB2):c.382C>T (p.Pro128Ser)

Gene: SCARB2 (scavenger receptor class B member 2; minus strand). Cytogenetic location: 4q21.1.
Variant type: single nucleotide variant.
Coding change: c.382C>T on transcript NM_005506.4 (MANE Select); coding-DNA position 382, C replaced by T.
Protein change: p.Pro128Ser; replaces proline 128 with serine.
Molecular consequence: missense variant. On other transcripts: intron variant (1).
Genome position (GRCh38, 1-based): chr4:76,180,995, G>A on the plus strand (C>T on the coding strand, the complement: SCARB2 is on the minus strand). VCF-style: chr4-76180995-G-A. GRCh37 (hg19) VCF-style: chr4-77102148-G-A.
Other names: p.Pro128Ser; c.276-5085C>T (NM_001204255.2); short protein forms P128S.
Identifiers: ClinVar variation 462924 (VCV000462924.17), dbSNP rs143558324, ClinGen allele CA2970346.

ClinVar aggregate classification (germline): Uncertain significance. Review status: criteria provided, multiple submitters, no conflicts (2 of 4 stars). 7 submissions from 7 submitters: Uncertain significance (7). Last evaluated 2024-10-07.

Conditions:
Inborn genetic diseases. Identifiers: MedGen C0950123, MeSH D030342.
Action myoclonus-renal failure syndrome. Also called: EPILEPSY, PROGRESSIVE MYOCLONIC, 4, WITH RENAL FAILURE; EPILEPSY, PROGRESSIVE MYOCLONIC, 4, WITHOUT RENAL FAILURE; MYOCLONUS-NEPHROPATHY SYNDROME; SCARB2-Related Action Myoclonus-Renal Failure Syndrome. Identifiers: Orphanet 163696, MedGen C0751779, MeSH D020191, MONDO:0009699, OMIM 254900.
Progressive myoclonic epilepsy. Also called: Myoclonus epilepsy; Familial progressive myoclonic epilepsy; Progressive myoclonus epilepsy; Myoclonic Epilepsies, Progressive. Identifiers: Orphanet 308, Orphanet 98261, MedGen C0751778, MONDO:0020074.

gnomAD v4.1: 33 of 1,613,226 alleles (0.002%); highest among the groups gnomAD compares: Middle Eastern, 0.3%; 2 homozygotes.

Submissions (7):

Blueprint Genetics
Classification: Uncertain significance. Last evaluated: 2024-10-07. Review status: criteria provided, single submitter. Criteria: ACMG Guidelines, 2015. Collection method: clinical testing. Allele origin: germline.

GeneDx
Classification: Uncertain significance. Last evaluated: 2024-08-13. Review status: criteria provided, single submitter. Criteria: GeneDx Variant Classification Process June 2021. Collection method: clinical testing. Allele origin: germline. Affected: yes.
Comment: Not observed at significant frequency in large population cohorts (gnomAD); In silico analysis supports that this missense variant has a deleterious effect on protein structure/function; Has not been previously published as pathogenic or benign to our knowledge

Labcorp Genetics (formerly Invitae), Labcorp
Classification: Uncertain significance for Progressive myoclonic epilepsy. Last evaluated: 2023-10-03. Review status: criteria provided, single submitter. Criteria: Invitae Variant Classification Sherloc (09022015). Collection method: clinical testing. Allele origin: germline.
Comment: This sequence change replaces proline, which is neutral and non-polar, with serine, which is neutral and polar, at codon 128 of the SCARB2 protein (p.Pro128Ser). This variant is present in population databases (rs143558324, gnomAD 0.01%), including at least one homozygous and/or hemizygous individual. This variant has not been reported in the literature in individuals affected with SCARB2-related conditions. ClinVar contains an entry for this variant (Variation ID: 462924). An algorithm developed to predict the effect of missense changes on protein structure and function (PolyPhen-2) suggests that this variant¬†is likely to be tolerated. In summary, the available evidence is currently insufficient to determine the role of this variant in disease. Therefore, it has been classified as a Variant of Uncertain Significance.

Mayo Clinic Laboratories, Mayo Clinic
Classification: Uncertain significance. Last evaluated: 2023-04-28. Review status: criteria provided, single submitter. Criteria: ACMG Guidelines, 2015. Collection method: clinical testing. Allele origin: germline. Observed: 1 variant allele.

Fulgent Genetics
Classification: Uncertain significance for Action myoclonus-renal failure syndrome. Last evaluated: 2022-04-14. Review status: criteria provided, single submitter. Criteria: ACMG Guidelines, 2015. Collection method: clinical testing. Allele origin: unknown.

New York Genome Center
Classification: Uncertain significance for Action myoclonus-renal failure syndrome. Last evaluated: 2020-02-25. Review status: criteria provided, single submitter. Criteria: NYGC Assertion Criteria 2020. Collection method: clinical testing. Allele origin: germline. Observed: 1 heterozygote. Study: CSER-NYCKidSeq.

Ambry Genetics
Classification: Uncertain significance for Inborn genetic diseases. Last evaluated: 2017-12-17. Review status: criteria provided, single submitter. Criteria: Ambry Variant Classification Scheme 2023. Collection method: clinical testing. Allele origin: germline.
Comment: The p.P128S variant (also known as c.382C>T), located in coding exon 3 of the SCARB2 gene, results from a C to T substitution at nucleotide position 382. The proline at codon 128 is replaced by serine, an amino acid with similar properties. This amino acid position is highly conserved in available vertebrate species. In addition, this alteration is predicted to be tolerated by in silico analysis. Since supporting evidence is limited at this time, the clinical significance of this alteration remains unclear.